The following is an entry in ClinVar:

ClinVar aggregate classification (germline): Uncertain significance (1 of 4 stars; one submission).

Submission:

Labcorp Genetics (formerly Invitae), Labcorp
Classification: Uncertain significance. Last evaluated: 2021-04-12. Review status: criteria provided, single submitter. Criteria: Invitae Variant Classification Sherloc (09022015). Collection method: clinical testing. Allele origin: germline.
Comment: This variant has not been reported in the literature in individuals with PCDH15-related conditions. Algorithms developed to predict the effect of missense changes on protein structure and function are either unavailable or do not agree on the potential impact of this missense change (SIFT: "Tolerated"; PolyPhen-2: "Probably Damaging"; Align-GVGD: "Class C0"). In summary, the available evidence is currently insufficient to determine the role of this variant in disease. Therefore, it has been classified as a Variant of Uncertain Significance. This variant is not present in population databases (ExAC no frequency). This sequence change replaces threonine with lysine at codon 990 of the PCDH15 protein (p.Thr990Lys). The threonine residue is highly conserved and there is a moderate physicochemical difference between threonine and lysine.

NM_001384140.1(PCDH15):c.2969C>A (p.Thr990Lys)

Gene: PCDH15 (protocadherin related 15; minus strand). Cytogenetic location: 10q21.1.
Variant type: single nucleotide variant.
Coding change: c.2969C>A on transcript NM_001384140.1 (MANE Select); coding-DNA position 2969, C replaced by A.
Protein change: p.Thr990Lys; replaces threonine 990 with lysine.
Molecular consequence: missense variant.
Genome position (GRCh38, 1-based): chr10:53,961,792, G>T on the plus strand (C>A on the coding strand, the complement: PCDH15 is on the minus strand). VCF-style: chr10-53961792-G-T. GRCh37 (hg19) VCF-style: chr10-55721552-G-T.
Other names: c.2984C>A, p.Thr995Lys (NM_001142763.2, NM_001142771.2); c.2969C>A, p.Thr990Lys (NM_001142764.2, NM_001142766.2, NM_001142770.3 and 4 more transcripts); c.2756C>A, p.Thr919Lys (NM_001142765.2); c.2858C>A, p.Thr953Lys (NM_001142767.2); c.2903C>A, p.Thr968Lys (NM_001142768.2, NM_001142773.2, NM_001354404.2); c.3005C>A, p.Thr1002Lys (NM_001142769.4); c.2990C>A, p.Thr997Lys (NM_001354411.2); short protein forms T1002K, T919K, T995K, T990K, T953K, T968K, T997K.
Identifiers: ClinVar variation 1421137 (VCV001421137.8), dbSNP rs2134301436, ClinGen allele CA376521574.